The following is an entry in ClinVar:

NM_001378418.1(TCF20):c.3519G>C (p.Lys1173Asn)

Gene: TCF20 (transcription factor 20; minus strand). Cytogenetic location: 22q13.2.
Variant type: single nucleotide variant.
Coding change: c.3519G>C on transcript NM_001378418.1 (MANE Select); coding-DNA position 3519, G replaced by C.
Protein change: p.Lys1173Asn; replaces lysine 1173 with asparagine.
Molecular consequence: missense variant.
Genome position (GRCh38, 1-based): chr22:42,211,787, C>G on the plus strand (G>C on the coding strand, the complement: TCF20 is on the minus strand). VCF-style: chr22-42211787-C-G. GRCh37 (hg19) VCF-style: chr22-42607793-C-G.
Other names: c.3519G>C, p.Lys1173Asn (NM_005650.4, NM_181492.3); short protein forms K1173N.
Identifiers: ClinVar variation 3360022 (VCV003360022.1).
Genomic context (GRCh38, chr22:42,211,787, plus strand): 5'-CCGAGAAAGATCCCAACAGGATTCTTGTAACTTCTGGGAGCCATGCTTTAATTCCATGCC[C>G]TTGTTAGGCAGACCATCACTAGACATTAGGCAGCGCCCAGCCTCCTGGGCACTGGGGTCA-3'
Protein context (NP_001365347.1, residues 1163-1183): CLMSSDGLPN[Lys1173Asn]GMELKHGSQK

ClinVar aggregate classification (germline): Uncertain significance (1 of 4 stars; one submission).

Submission:

GeneDx
Classification: Uncertain significance. Last evaluated: 2023-06-16. Review status: criteria provided, single submitter. Criteria: GeneDx Variant Classification Process June 2021. Collection method: clinical testing. Allele origin: germline. Affected: yes.
Comment: Not observed at significant frequency in large population cohorts (gnomAD); In silico analysis supports that this missense variant does not alter protein structure/function; Has not been previously published as pathogenic or benign to our knowledge